The following is an entry in ClinVar:

NM_001365536.1(SCN9A):c.4073G>A (p.Arg1358Gln)

Genes: SCN1A-AS1 (SCN1A and SCN9A antisense RNA 1; plus strand), SCN9A (sodium voltage-gated channel alpha subunit 9; minus strand). Cytogenetic location: 2q24.3.
Variant type: single nucleotide variant.
Coding change: c.4073G>A on transcript NM_001365536.1 (MANE Select); coding-DNA position 4073, G replaced by A.
Protein change: p.Arg1358Gln; replaces arginine 1358 with glutamine.
Molecular consequence: missense variant.
Genome position (GRCh38, 1-based): chr2:166,228,824, C>T on the plus strand (G>A on the coding strand, the complement: SCN9A is on the minus strand). VCF-style: chr2-166228824-C-T. GRCh37 (hg19) VCF-style: chr2-167085334-C-T.
Other names: p.Arg1347Gln; c.4040G>A, p.Arg1347Gln (NM_002977.4); short protein forms R1347Q, R1358Q.
Identifiers: ClinVar variation 195676 (VCV000195676.53), dbSNP rs200163716, ClinGen allele CA242197.

ClinVar aggregate classification (germline): Conflicting classifications of pathogenicity. Review status: criteria provided, conflicting classifications (1 of 4 stars). 8 submissions from 8 submitters: Uncertain significance (7); Likely benign (1). Last evaluated 2026-09-28.

Conditions:
Primary erythromelalgia. Also called: primary erythermalgia; SCN9A Erythromelalgia (SCN9A-EM). Identifiers: Orphanet 306577, Orphanet 90026, MedGen C0014805, MONDO:0007571, OMIM 133020.
Channelopathy-associated congenital insensitivity to pain, autosomal recessive. Also called: Insensitivity to pain, channelopathy-associated; ASYMBOLIA FOR PAIN; CONGENITAL ANALGESIA, AUTOSOMAL RECESSIVE. Identifiers: Orphanet 88642, Orphanet 970, MedGen C1855739, MONDO:0009459, OMIM 243000.
Neuropathy, hereditary sensory and autonomic, type 2A (HSAN2A). Also called: ACROOSTEOLYSIS, GIACCAI TYPE; ACROOSTEOLYSIS, NEUROGENIC; MORVAN DISEASE; NEUROPATHY, CONGENITAL SENSORY; NEUROPATHY, HEREDITARY SENSORY RADICULAR, AUTOSOMAL RECESSIVE; NEUROPATHY, HEREDITARY SENSORY, TYPE IIA. Identifiers: Orphanet 970, MedGen C2752089, MONDO:0024309, OMIM 201300.
Paroxysmal extreme pain disorder (PEXPD). Also called: PAIN, SUBMANDIBULAR, OCULAR, AND RECTAL, WITH FLUSHING; RECTAL PAIN, FAMILIAL; SCN9A Paroxysmal Extreme Pain Disorder (SCN9A-PEPD). Identifiers: Orphanet 46348, MedGen C1833661, MONDO:0008179, OMIM 167400.
Generalized epilepsy with febrile seizures plus, type 7 (GEFSP7). Also called: GEFS+, TYPE 7. Identifiers: Orphanet 36387, MedGen C2751778, MONDO:0013470, OMIM 613863.
Inborn genetic diseases. Identifiers: MedGen C0950123, MeSH D030342.

Allele frequency attached by ClinVar (database versions not stated): TOPMed 0.00010.
gnomAD v4.1: 190 of 1,613,720 alleles (0.012%); highest among the groups gnomAD compares: Admixed American, 0.037%; no homozygotes.

Submissions (8):

GeneDx
Classification: Uncertain significance. Last evaluated: 2026-09-28. Review status: criteria provided, single submitter. Criteria: GeneDx Variant Classification Process June 2021. Collection method: clinical testing. Allele origin: germline.
Comment: In silico analysis, which includes protein predictors and evolutionary conservation, supports that this variant does not alter protein structure/function; Has not been previously published as pathogenic or benign to our knowledge

Labcorp Genetics (formerly Invitae), Labcorp
Classification: Likely benign for Neuropathy, hereditary sensory and autonomic, type 2A; Generalized epilepsy with febrile seizures plus, type 7. Last evaluated: 2026-01-01. Review status: criteria provided, single submitter. Criteria: Invitae Variant Classification Sherloc (09022015). Collection method: clinical testing. Allele origin: germline.

Blueprint Genetics
Classification: Uncertain significance. Last evaluated: 2024-10-30. Review status: criteria provided, single submitter. Criteria: ACMG Guidelines, 2015. Collection method: clinical testing. Allele origin: germline.

Ambry Genetics
Classification: Uncertain significance for Inborn genetic diseases. Last evaluated: 2023-07-06. Review status: criteria provided, single submitter. Criteria: Ambry Variant Classification Scheme 2023. Collection method: clinical testing. Allele origin: germline.
Comment: Unlikely to be causative of SCN9A-related neuropathic pain syndromes (AD) Based on insufficient or conflicting evidence, the clinical significance of this alteration remains unclear.

CeGaT Center for Human Genetics Tuebingen
Classification: Uncertain significance. Last evaluated: 2023-06-01. Review status: criteria provided, single submitter. Criteria: CeGaT Center For Human Genetics Tuebingen Variant Classification Criteria Version 2. Collection method: clinical testing. Allele origin: germline. Affected: yes. Observed: 1 variant allele.

Department of Pathology and Laboratory Medicine, Sinai Health System
Classification: Uncertain significance for Primary erythromelalgia; Paroxysmal extreme pain disorder; Neuropathy, hereditary sensory and autonomic, type 2A; Channelopathy-associated congenital insensitivity to pain, autosomal recessive. Last evaluated: 2022-03-23. Review status: criteria provided, single submitter. Criteria: ACMG Guidelines, 2015. Collection method: research. Allele origin: germline.

Mayo Clinic Laboratories, Mayo Clinic
Classification: Uncertain significance. Last evaluated: 2021-09-14. Review status: criteria provided, single submitter. Criteria: ACMG Guidelines, 2015. Collection method: clinical testing. Allele origin: germline.

Eurofins Ntd Llc (ga)
Classification: Uncertain significance. Last evaluated: 2017-09-05. Review status: criteria provided, single submitter. Criteria: EGL Classification Definitions 2015. Collection method: clinical testing. Allele origin: germline. Observed: 3 variant alleles, 3 heterozygotes.